The following is an entry in ClinVar:

ClinVar aggregate classification (germline): Pathogenic (1 of 4 stars; one submission).

Submission:

GeneDx
Classification: Pathogenic. Last evaluated: 2023-05-09. Review status: criteria provided, single submitter. Criteria: GeneDx Variant Classification Process June 2021. Collection method: clinical testing. Allele origin: germline. Affected: yes.
Comment: Nonsense variant predicted to result in protein truncation or nonsense mediated decay in a gene for which loss-of-function is a known mechanism of disease; Not observed in large population cohorts (gnomAD); Has not been previously published as pathogenic or benign to our knowledge

NM_001197104.2(KMT2A):c.4069C>T (p.Gln1357Ter)

Gene: KMT2A (lysine methyltransferase 2A; plus strand). Cytogenetic location: 11q23.3.
Variant type: single nucleotide variant.
Coding change: c.4069C>T on transcript NM_001197104.2 (MANE Select); coding-DNA position 4069, C replaced by T.
Protein change: p.Gln1357Ter; replaces glutamine 1357 with a stop codon.
Molecular consequence: nonsense.
Genome position (GRCh38, 1-based): chr11:118,482,478, C>T. VCF-style: chr11-118482478-C-T. GRCh37 (hg19) VCF-style: chr11-118353193-C-T.
Other names: c.4168C>T, p.Gln1390Ter (NM_001412597.1); c.4069C>T, p.Gln1357Ter (NM_005933.4); short protein forms Q1357*, Q1390*.
Identifiers: ClinVar variation 2501944 (VCV002501944.1), dbSNP rs2496869455, ClinGen allele CA382829087.
Genomic context (GRCh38, chr11:118,482,478, plus strand): 5'-TTAGGTCCAGAGCAGAGCAAACAGAAAAAAGTGGCTCCCCGCCCAAGTATCCCTGTAAAA[C>T]AAAAACCAAAAGAAAAGGTGAGGAGAGATTTGTTTCTCTGCCATTTCTCAGGGATGTATT-3'